The following is an entry in ClinVar:

NM_021005.4(NR2F2):c.710A>C (p.Gln237Pro)

Gene: NR2F2 (nuclear receptor subfamily 2 group F member 2; plus strand). Cytogenetic location: 15q26.2.
Variant type: single nucleotide variant.
Coding change: c.710A>C on transcript NM_021005.4 (MANE Select); coding-DNA position 710, A replaced by C.
Protein change: p.Gln237Pro; replaces glutamine 237 with proline.
Molecular consequence: missense variant.
Genome position (GRCh38, 1-based): chr15:96,334,343, A>C. VCF-style: chr15-96334343-A-C. GRCh37 (hg19) VCF-style: chr15-96877572-A-C.
Other names: c.311A>C, p.Gln104Pro (NM_001145155.2); c.251A>C, p.Gln84Pro (NM_001145156.1, NM_001145157.2); short protein forms Q84P, Q237P, Q104P.
Identifiers: ClinVar variation 4999855 (VCV004999855.1).

ClinVar aggregate classification (germline): Uncertain significance (1 of 4 stars; one submission).

Conditions:
NR2F2-related disorder. Also called: NR2F2-related condition.

Submission:

PreventionGenetics, part of Exact Sciences
Classification: Uncertain significance for NR2F2-related condition. Last evaluated: 2025-06-16. Review status: criteria provided, single submitter. Criteria: ACMG Guidelines, 2015. Collection method: clinical testing. Allele origin: germline.
Comment: The NR2F2 c.710A>C variant is predicted to result in the amino acid substitution p.Gln237Pro. To our knowledge, this variant has not been reported in the literature or in a large population database (gnomAD), indicating this variant is rare. Although we suspect that this variant may be pathogenic, at this time, the clinical significance of this variant is uncertain due to the absence of conclusive functional and genetic evidence.